The following is an entry in ClinVar:

NM_133433.4(NIPBL):c.793_794insTTCC (p.Arg265fs)

Gene: NIPBL (NIPBL cohesin loading factor; plus strand). Cytogenetic location: 5p13.2.
Variant type: Insertion.
Coding change: c.793_794insTTCC on transcript NM_133433.4 (MANE Select); coding-DNA positions 793 to 794, TTCC inserted.
Protein change: p.Arg265fs; shifts the reading frame from arginine 265.
Molecular consequence: frameshift variant.
Genome position: GRCh38 VCF-style: chr5-36971966-A-ATTCC. GRCh37 (hg19) VCF-style: chr5-36972068-A-ATTCC.
Other names: c.793_794insTTCC, p.Arg265fs (NM_015384.5); short protein forms R265fs.
Identifiers: ClinVar variation 1699247 (VCV001699247.3), dbSNP rs2149621638, ClinGen allele CA2573131713.
Genomic context (GRCh38, chr5:36,971,966, plus strand): 5'-CCTGTCATTCAAAAGATAAATTGTATACTCTATTTTTAGGATGGAGATTCTTCAACAATG[A>ATTCC]GGAATGCTGCATCTTTTCCCTTGAGATCTCCACAGCCAGTATGCTCCCCTGCTGGAAGTG-3'

ClinVar aggregate classification (germline): Pathogenic (1 of 4 stars; one submission).

Conditions:
Cornelia de Lange syndrome 1 (CDLS1). Also called: NIPBL-Related Cornelia de Lange Syndrome; TYPUS DEGENERATIVUS AMSTELODAMENSIS; Brachmann de Lange syndrome. Identifiers: Orphanet 199, MedGen C4551851, MONDO:0007387, OMIM 122470.

Submission:

Victorian Clinical Genetics Services, Murdoch Childrens Research Institute
Classification: Pathogenic for Cornelia de Lange syndrome 1. Last evaluated: 2022-02-02. Review status: criteria provided, single submitter. Criteria: ACMG Guidelines, 2015. Collection method: clinical testing. Allele origin: germline. Inheritance: Autosomal dominant inheritance.
Comment: Based on the classification scheme VCGS_Germline_v1.3.4, this variant is classified as Pathogenic. Following criteria are met: 0102 - Loss of function is a known mechanism of disease in this gene and is associated with Cornelia de Lange syndrome 1 (MIM#122470). (I) 0107 - This gene is associated with autosomal dominant disease. (I) 0115 - Variants in this gene are known to have variable expressivity. Individuals carrying pathogenic missense and in-frame variants have been reported to have less severe phenotypes compared with individuals carrying pathogenic null variants (GeneReviews). (I) 0201 - Variant is predicted to cause nonsense-mediated decay (NMD) and loss of protein (premature termination codon is located at least 54 nucleotides upstream of the final exon-exon junction). (SP) 0251 - This variant is heterozygous. (I) 0301 - Variant is absent from gnomAD (both v2 and v3). (SP) 0701 - Other NMD-predicted variants comparable to the one identified in this case have very strong previous evidence for pathogenicity. There are many likely pathogenic and pathogenic NMD-predicted variants that have been reported (Decipher, PMID: 24038889). (SP) 0807 - This variant has no previous evidence of pathogenicity. (I) 0905 - No published segregation evidence has been identified for this variant. (I) 1007 - No published functional evidence has been identified for this variant. (I) 1102 - Strong phenotype match for this individual. (SP) 1208 - Inheritance information for this variant is not currently available in this individual. (I) Legend: (SP) - Supporting pathogenic, (I) - Information, (SB) - Supporting benign

Literature cited by the submitters: PubMed 24038889.